The following is an entry in ClinVar:

ClinVar aggregate classification (germline): Uncertain significance (1 of 4 stars; one submission).

Conditions:
Cohen syndrome (COH1). Also called: Cutis verticis gyrata, retinitis pigmentosa, and sensorineural deafness; PEPPER SYNDROME. Identifiers: Orphanet 193, MedGen C0265223, MONDO:0008999, OMIM 216550.

Submission:

Labcorp Genetics (formerly Invitae), Labcorp
Classification: Uncertain significance for Cohen syndrome. Last evaluated: 2021-10-24. Review status: criteria provided, single submitter. Criteria: Invitae Variant Classification Sherloc (09022015). Collection method: clinical testing. Allele origin: germline.
Comment: This sequence change replaces arginine with lysine at codon 2528 of the VPS13B protein (p.Arg2528Lys). The arginine residue is weakly conserved and there is a small physicochemical difference between arginine and lysine. This variant is not present in population databases (ExAC no frequency). This variant has not been reported in the literature in individuals affected with VPS13B-related conditions. Algorithms developed to predict the effect of missense changes on protein structure and function output the following: SIFT: "Not Available"; PolyPhen-2: "Benign"; Align-GVGD: "Not Available". The lysine amino acid residue is found in multiple mammalian species, which suggests that this missense change does not adversely affect protein function. In summary, the available evidence is currently insufficient to determine the role of this variant in disease. Therefore, it has been classified as a Variant of Uncertain Significance.

NM_152564.5(VPS13B):c.7508G>A (p.Arg2503Lys)

Gene: VPS13B (vacuolar protein sorting 13 homolog B; plus strand). Cytogenetic location: 8q22.2.
Variant type: single nucleotide variant.
Coding change: c.7508G>A on transcript NM_152564.5 (MANE Select); coding-DNA position 7508, G replaced by A.
Protein change: p.Arg2503Lys; replaces arginine 2503 with lysine.
Molecular consequence: missense variant.
Genome position (GRCh38, 1-based): chr8:99,778,760, G>A. VCF-style: chr8-99778760-G-A. GRCh37 (hg19) VCF-style: chr8-100790988-G-A.
Other names: c.7583G>A, p.Arg2528Lys (NM_017890.5); short protein forms R2528K, R2503K.
Identifiers: ClinVar variation 1422659 (VCV001422659.5), dbSNP rs2130678538, ClinGen allele CA371876105.